The following is an entry in ClinVar:

NM_004006.3(DMD):c.6079G>A (p.Asp2027Asn)

Gene: DMD (dystrophin; minus strand). Cytogenetic location: Xp21.1.
Variant type: single nucleotide variant.
Coding change: c.6079G>A on transcript NM_004006.3 (MANE Select); coding-DNA position 6079, G replaced by A.
Protein change: p.Asp2027Asn; replaces aspartic acid 2027 with asparagine.
Molecular consequence: missense variant.
Genome position (GRCh38, 1-based): chrX:32,310,120, C>T on the plus strand (G>A on the coding strand, the complement: DMD is on the minus strand). VCF-style: chrX-32310120-C-T. GRCh37 (hg19) VCF-style: chrX-32328237-C-T.
Other names: c.6055G>A, p.Asp2019Asn (NM_000109.4); c.6067G>A, p.Asp2023Asn (NM_004009.3); c.5710G>A, p.Asp1904Asn (NM_004010.3); c.2056G>A, p.Asp686Asn (NM_004011.4); c.2047G>A, p.Asp683Asn (NM_004012.4); short protein forms D2019N, D2027N, D683N, D1904N, D2023N, D686N.
Identifiers: ClinVar variation 1388043 (VCV001388043.6), dbSNP rs2148595093, ClinGen allele CA412669626.
Genomic context (GRCh38, chrX:32,310,120, plus strand): 5'-AATGAAAGTGCTTTGGTTTTACCTTCAGAGACTCCTCTTGCTTAAAGAGATCTTCAAAGT[C>T]CTTAGCACAGAGGTCAGGAGCATTGAGAAGTTGTTCCACTTCTAATAGGGCTTGTGAGAC-3'
Protein context (NP_003997.2, residues 2017-2037): LLNAPDLCAK[Asp2027Asn]FEDLFKQEES

ClinVar aggregate classification (germline): Uncertain significance (1 of 4 stars; one submission).

Conditions:
Duchenne muscular dystrophy (DMD). Also called: MUSCULAR DYSTROPHY, PSEUDOHYPERTROPHIC PROGRESSIVE, DUCHENNE TYPE; Duchenne Muscular Dystrophy (DMD). Identifiers: Orphanet 98896, MedGen C0013264, MONDO:0010679, OMIM 310200.

Submission:

Labcorp Genetics (formerly Invitae), Labcorp
Classification: Uncertain significance for Duchenne muscular dystrophy. Last evaluated: 2024-10-28. Review status: criteria provided, single submitter. Criteria: Invitae Variant Classification Sherloc (09022015). Collection method: clinical testing. Allele origin: germline.
Comment: This sequence change replaces aspartic acid, which is acidic and polar, with asparagine, which is neutral and polar, at codon 2027 of the DMD protein (p.Asp2027Asn). This variant is not present in population databases (gnomAD no frequency). This variant has not been reported in the literature in individuals affected with DMD-related conditions. ClinVar contains an entry for this variant (Variation ID: 1388043). Invitae Evidence Modeling of protein sequence and biophysical properties (such as structural, functional, and spatial information, amino acid conservation, physicochemical variation, residue mobility, and thermodynamic stability) indicates that this missense variant is not expected to disrupt DMD protein function with a negative predictive value of 95%. In summary, the available evidence is currently insufficient to determine the role of this variant in disease. Therefore, it has been classified as a Variant of Uncertain Significance.